The following is an entry in ClinVar:

ClinVar aggregate classification (germline): Uncertain significance. Review status: criteria provided, multiple submitters, no conflicts (2 of 4 stars). 2 submissions from 2 submitters: Uncertain significance (2). Last evaluated 2025-11-27.

Conditions:
Capillary malformation-arteriovenous malformation syndrome. Also called: Capillary malformation-arteriovenous malformation. Identifiers: Orphanet 137667, MedGen C1842180, MONDO:0012016.
Cardiovascular phenotype. Identifiers: MedGen CN230736.

Allele frequency attached by ClinVar (database versions not stated): gnomAD exomes 0.00003; gnomAD 0.00007; ExAC 0.00002.
gnomAD v4.1: 56 of 1,614,000 alleles (0.0035%); highest among the groups gnomAD compares: African/African-American, 0.013%; no homozygotes.

Submissions (2):

Labcorp Genetics (formerly Invitae), Labcorp
Classification: Uncertain significance for Capillary malformation-arteriovenous malformation syndrome. Last evaluated: 2025-11-27. Review status: criteria provided, single submitter. Criteria: Invitae Variant Classification Sherloc (09022015). Collection method: clinical testing. Allele origin: germline.
Comment: This sequence change replaces threonine, which is neutral and polar, with methionine, which is neutral and non-polar, at codon 989 of the RASA1 protein (p.Thr989Met). This variant is present in population databases (rs773025020, gnomAD 0.02%). This variant has not been reported in the literature in individuals affected with RASA1-related conditions. ClinVar contains an entry for this variant (Variation ID: 2073595). An algorithm developed to predict the effect of missense changes on protein structure and function (PolyPhen-2) suggests that this variant is likely to be tolerated. In summary, the available evidence is currently insufficient to determine the role of this variant in disease. Therefore, it has been classified as a Variant of Uncertain Significance.

Ambry Genetics
Classification: Uncertain significance for Cardiovascular phenotype. Last evaluated: 2025-09-22. Review status: criteria provided, single submitter. Criteria: Ambry Variant Classification Scheme 2023. Collection method: clinical testing. Allele origin: germline.

NM_002890.3(RASA1):c.2966C>T (p.Thr989Met)

Genes: CCNH (cyclin H; minus strand), RASA1 (RAS p21 protein activator 1; plus strand). Cytogenetic location: 5q14.3.
Variant type: single nucleotide variant.
Coding change: c.2966C>T on transcript NM_002890.3 (MANE Select); coding-DNA position 2966, C replaced by T.
Protein change: p.Thr989Met; replaces threonine 989 with methionine.
Molecular consequence: missense variant. On other transcripts: intron variant (1).
Genome position (GRCh38, 1-based): chr5:87,389,433, C>T. VCF-style: chr5-87389433-C-T. GRCh37 (hg19) VCF-style: chr5-86685250-C-T.
Other names: c.2435C>T, p.Thr812Met (NM_022650.3); c.933+5611G>A (NM_001364075.2); short protein forms T989M, T812M.
Identifiers: ClinVar variation 2073595 (VCV002073595.4), dbSNP rs773025020, ClinGen allele CA3336179.